The following is an entry in ClinVar:

ClinVar aggregate classification (germline): Likely pathogenic. Review status: criteria provided, multiple submitters, no conflicts (2 of 4 stars). 2 submissions from 2 submitters: Likely pathogenic (2). Last evaluated 2026-03-01.

Allele frequency attached by ClinVar (database versions not stated): gnomAD exomes below 0.00001; ExAC 0.00001; gnomAD 0.00001; TOPMed 0.00002.
gnomAD v4.1: 4 of 1,613,264 alleles (0.00025%); highest among the groups gnomAD compares: Admixed American, 0.0033%; no homozygotes.

Submissions (2):

CeGaT Center for Human Genetics Tuebingen
Classification: Likely pathogenic. Last evaluated: 2026-03-01. Review status: criteria provided, single submitter. Criteria: CeGaT Center For Human Genetics Tuebingen Variant Classification Criteria Version 2. Collection method: clinical testing. Allele origin: germline. Affected: yes. Observed: 10 variant alleles.
Comment: CAPN1: PP1:Strong, PM2, PM3, PP3

GeneDx
Classification: Likely pathogenic. Last evaluated: 2025-11-24. Review status: criteria provided, single submitter. Criteria: GeneDx Variant Classification Process June 2021. Collection method: clinical testing. Allele origin: germline.
Comment: Not observed at significant frequency in large population cohorts (gnomAD); In silico analysis supports that this missense variant has a deleterious effect on protein structure/function; This variant is associated with the following publications: (PMID: 31982778, 27320912, 29678961, 30572172, 31231303, 32860341, 31023339, 31355030, 33486633, 36704071)

NM_005186.4(CAPN1):c.1534C>T (p.Arg512Cys)

Gene: CAPN1 (calpain 1; plus strand). Cytogenetic location: 11q13.1.
Variant type: single nucleotide variant.
Coding change: c.1534C>T on transcript NM_005186.4 (MANE Select); coding-DNA position 1534, C replaced by T.
Protein change: p.Arg512Cys; replaces arginine 512 with cysteine.
Molecular consequence: missense variant. On other transcripts: non-coding transcript variant (1).
Genome position (GRCh38, 1-based): chr11:65,206,643, C>T. VCF-style: chr11-65206643-C-T. GRCh37 (hg19) VCF-style: chr11-64974114-C-T.
Other names: c.1534C>T (NM_001198868.1); c.1534C>T, p.Arg512Cys (NM_001198868.2, NM_001198869.2); short protein forms R512C.
Identifiers: ClinVar variation 871873 (VCV000871873.43), dbSNP rs753019478, ClinGen allele CA6093457.